The following is an entry in ClinVar:

NM_006206.6(PDGFRA):c.2591C>T (p.Pro864Leu)

Gene: PDGFRA (platelet derived growth factor receptor alpha; plus strand). Cytogenetic location: 4q12.
Variant type: single nucleotide variant.
Coding change: c.2591C>T on transcript NM_006206.6 (MANE Select); coding-DNA position 2591, C replaced by T.
Protein change: p.Pro864Leu; replaces proline 864 with leucine.
Molecular consequence: missense variant.
Genome position (GRCh38, 1-based): chr4:54,287,458, C>T. VCF-style: chr4-54287458-C-T. GRCh37 (hg19) VCF-style: chr4-55153625-C-T.
Other names: c.2666C>T, p.Pro889Leu (NM_001347828.2); c.2591C>T, p.Pro864Leu (NM_001347829.2); c.2630C>T, p.Pro877Leu (NM_001347830.2); c.2591C>T (NM_006206.4); short protein forms P864L, P877L, P889L.
Identifiers: ClinVar variation 1421494 (VCV001421494.10), dbSNP rs2110341295, ClinGen allele CA356895191.

ClinVar aggregate classification (germline): Uncertain significance. Review status: criteria provided, multiple submitters, no conflicts (2 of 4 stars). 2 submissions from 2 submitters: Uncertain significance (2). Last evaluated 2023-06-28.

Conditions:
Hereditary cancer-predisposing syndrome. Also called: Tumor predisposition; Hereditary Cancer Syndrome; Hereditary neoplastic syndrome; Neoplastic Syndromes, Hereditary. Identifiers: Orphanet 140162, MedGen C0027672, MeSH D009386, MONDO:0015356.
Gastrointestinal stromal tumor. Also called: Gastrointestinal stroma tumor; Gastrointestinal stromal tumor, somatic. Identifiers: Orphanet 44890, MedGen C0238198, MeSH D046152, MONDO:0011719, OMIM 606764, HP:0100723.

Submissions (2):

Ambry Genetics
Classification: Uncertain significance for Hereditary cancer-predisposing syndrome. Last evaluated: 2023-06-28. Review status: criteria provided, single submitter. Criteria: Ambry Variant Classification Scheme 2023. Collection method: clinical testing. Allele origin: germline.
Comment: The p.P864L variant (also known as c.2591C>T), located in coding exon 18 of the PDGFRA gene, results from a C to T substitution at nucleotide position 2591. The proline at codon 864 is replaced by leucine, an amino acid with similar properties. This amino acid position is conserved. In addition, this alteration is predicted to be deleterious by in silico analysis. Since supporting evidence is limited at this time, the clinical significance of this alteration remains unclear.

Labcorp Genetics (formerly Invitae), Labcorp
Classification: Uncertain significance for Gastrointestinal stromal tumor. Last evaluated: 2021-04-30. Review status: criteria provided, single submitter. Criteria: Invitae Variant Classification Sherloc (09022015). Collection method: clinical testing. Allele origin: germline.
Comment: This variant is not present in population databases (ExAC no frequency). This variant has not been reported in the literature in individuals with PDGFRA-related conditions. Algorithms developed to predict the effect of missense changes on protein structure and function are either unavailable or do not agree on the potential impact of this missense change (SIFT: "Tolerated"; PolyPhen-2: "Probably Damaging"; Align-GVGD: "Class C0"). This sequence change replaces proline with leucine at codon 864 of the PDGFRA protein (p.Pro864Leu). The proline residue is highly conserved and there is a moderate physicochemical difference between proline and leucine. In summary, the available evidence is currently insufficient to determine the role of this variant in disease. Therefore, it has been classified as a Variant of Uncertain Significance.